The following is an entry in ClinVar:

ClinVar aggregate classification (germline): Conflicting classifications of pathogenicity. Review status: criteria provided, conflicting classifications (1 of 4 stars). 7 submissions from 7 submitters: Likely pathogenic (1); Uncertain significance (3); Likely benign (2). 1 of the submissions does not count toward it. Last evaluated 2026-01-21.

Conditions:
Autosomal recessive Robinow syndrome (RRS1). Also called: COSTOVERTEBRAL SEGMENTATION DEFECT WITH MESOMELIA; COVESDEM SYNDROME; ROR2-Related Robinow Syndrome; ROBINOW SYNDROME, AUTOSOMAL RECESSIVE 1. Identifiers: Orphanet 1507, Orphanet 97360, MedGen C5399974, MONDO:0009999, OMIM 268310.
Brachydactyly type B1 (BDB1). Identifiers: Orphanet 572385, Orphanet 93383, MedGen C1862112, MONDO:0007220, OMIM 113000.
Short stature. Identifiers: MedGen C0349588, HP:0004322.
Fetal akinesia deformation sequence 1 (FADS1). Also called: Fetal akinesia sequence; Pena-Shokeir syndrome type I. Identifiers: Orphanet 994, MedGen C1276035, MONDO:0100101, OMIM 208150, HP:0001989.
Arthrogryposis multiplex congenita (AMC). Also called: Guérin-Stern syndrome; Congenital multiple arthrogryposis; Fibrous ankylosis of multiple joints; Congenital arthromyodysplasia; Myodystrophia fetalis deformans; Otto syndrome. Identifiers: Orphanet 1037, MedGen C5779613, MeSH D001176, MONDO:0015168, HP:0002804.

Allele frequency attached by ClinVar (database versions not stated): TOPMed 0.00016; gnomAD 0.00019 and 0.00020; ExAC 0.00028; 1000 Genomes Project 30x 0.00031; 1000 Genomes Project 0.00040.
gnomAD v4.1: 176 of 1,607,210 alleles (0.011%); highest among the groups gnomAD compares: East Asian, 0.24%; no homozygotes.

Submissions (8):

GeneDx
Classification: Uncertain significance. Last evaluated: 2026-01-21. Review status: criteria provided, single submitter. Criteria: GeneDx Variant Classification Process June 2021. Collection method: clinical testing. Allele origin: germline. Affected: yes.
Comment: Observed with a variant on the opposite allele (in trans) in fetuses with fetal akinesia and with features of thanatophoric dysplasia in published literature, but additional clinical information was not provided (PMID: 31680123, 32502767); Identified in the heterozygous state in patients with short stature in published literature, although familial segregation information was not included (PMID: 33937263); In silico analysis supports that this missense variant has a deleterious effect on protein structure/function; Published functional studies demonstrate a damaging effect on Wnt5a-ROR2 pathway regulation (PMID: 33937263); This variant is associated with the following publications: (PMID: 32502767, 34426522, 33937263, 31275557, 31680123)

Labcorp Genetics (formerly Invitae), Labcorp
Classification: Likely benign. Last evaluated: 2025-11-18. Review status: criteria provided, single submitter. Criteria: Invitae Variant Classification Sherloc (09022015). Collection method: clinical testing. Allele origin: germline.

Fulgent Genetics
Classification: Uncertain significance for Brachydactyly type B1; Autosomal recessive Robinow syndrome. Last evaluated: 2024-05-06. Review status: criteria provided, single submitter. Criteria: ACMG Guidelines, 2015. Collection method: clinical testing. Allele origin: germline.

Department of Pathology and Laboratory Medicine, Sinai Health System
Classification: Uncertain significance for Autosomal recessive Robinow syndrome; Brachydactyly type B1. Last evaluated: 2022-12-17. Review status: criteria provided, single submitter. Criteria: ACMG Guidelines, 2015. Collection method: research. Allele origin: germline.

Cirak Lab, University Hospital Cologne
Classification: Likely pathogenic for Arthrogryposis multiplex congenita; Fetal akinesia sequence. Last evaluated: 2019-06-28. Review status: criteria provided, single submitter. Criteria: ACMG Guidelines, 2015. Collection method: research. Allele origin: paternal. Affected: yes. Observed: 1 variant allele.

Eurofins Ntd Llc (ga)
Classification: Likely benign. Last evaluated: 2018-04-17. Review status: criteria provided, single submitter. Criteria: EGL ClinVar v180209 classification definitions. Collection method: clinical testing. Allele origin: germline. Observed: 1 variant allele, 1 heterozygote.

Beijing Key Laboratory for Genetic Research of Skeletal Deformity, Peking Union Medical College Hospital
Classification: Likely pathogenic for Short stature. Last evaluated: 2021-01-31. Review status: no assertion criteria provided. Collection method: curation. Allele origin: unknown. Affected: yes. Not counted in ClinVar's aggregate classification.

Dr. Peter K. Rogan Lab, Western University
No classification provided (evidence only). Condition: Gastric cancer. Review status: no classification provided. Collection method: in vitro. Allele origin: not applicable. Functional consequence: retained intron. Not counted in ClinVar's aggregate classification.

Literature cited by the submitters: PubMed 31680123 (cited by Cirak Lab, University Hospital Cologne).

NM_004560.4(ROR2):c.1675G>A (p.Gly559Ser)

Gene: ROR2 (ROR family WNT receptor 2; minus strand). Cytogenetic location: 9q22.31.
Variant type: single nucleotide variant.
Coding change: c.1675G>A on transcript NM_004560.4 (MANE Select); coding-DNA position 1675, G replaced by A.
Protein change: p.Gly559Ser; replaces glycine 559 with serine.
Molecular consequence: missense variant.
Genome position (GRCh38, 1-based): chr9:91,724,819, C>T on the plus strand (G>A on the coding strand, the complement: ROR2 is on the minus strand). VCF-style: chr9-91724819-C-T. GRCh37 (hg19) VCF-style: chr9-94487101-C-T.
Other names: short protein forms G559S.
Identifiers: ClinVar variation 596726 (VCV000596726.21), dbSNP rs117134265, ClinGen allele CA5120613.
Genomic context (GRCh38, chr9:91,724,819, plus strand): 5'-CATCGGTGCTGCCCACGTCCGAGTGCGGCGAGCGCATGACCAGGAATTCGTGGAGGTCGC[C>T]GTGCGAACAGTAGCTGAAGATCATGCTCAGGGGCTGGTCCTTGGTCACCACGCCCAGCAG-3'
Protein context (NP_004551.2, residues 549-569): LSMIFSYCSH[Gly559Ser]DLHEFLVMRS